The following is an entry in ClinVar:

NM_002528.7(NTHL1):c.720G>C (p.Arg240Ser)

Gene: NTHL1 (nth like DNA glycosylase 1; minus strand). Cytogenetic location: 16p13.3.
Variant type: single nucleotide variant.
Coding change: c.720G>C on transcript NM_002528.7 (MANE Select); coding-DNA position 720, G replaced by C.
Protein change: p.Arg240Ser; replaces arginine 240 with serine.
Molecular consequence: missense variant.
Genome position (GRCh38, 1-based): chr16:2,040,204, C>G on the plus strand (G>C on the coding strand, the complement: NTHL1 is on the minus strand). VCF-style: chr16-2040204-C-G. GRCh37 (hg19) VCF-style: chr16-2090205-C-G.
Other names: c.549G>C, p.Arg183Ser (NM_001318193.2); c.390G>C, p.Arg130Ser (NM_001318194.2); c.744G>C (NM_002528.5); short protein forms R130S, R183S, R240S.
Identifiers: ClinVar variation 1040734 (VCV001040734.8), dbSNP rs2084243484, ClinGen allele CA394289186.

ClinVar aggregate classification (germline): Uncertain significance. Review status: criteria provided, multiple submitters, no conflicts (2 of 4 stars). 2 submissions from 2 submitters: Uncertain significance (2). Last evaluated 2026-07-07.

Conditions:
Hereditary cancer-predisposing syndrome. Also called: Tumor predisposition; Hereditary Cancer Syndrome; Hereditary neoplastic syndrome; Neoplastic Syndromes, Hereditary. Identifiers: Orphanet 140162, MedGen C0027672, MeSH D009386, MONDO:0015356.

Submissions (2):

Ambry Genetics
Classification: Uncertain significance for Hereditary cancer-predisposing syndrome. Last evaluated: 2026-07-07. Review status: criteria provided, single submitter. Criteria: Ambry Variant Classification Scheme 2023. Collection method: clinical testing. Allele origin: germline.
Comment: The p.R248S variant (also known as c.744G>C), located in coding exon 5 of the NTHL1 gene, results from a G to C substitution at nucleotide position 744. The arginine at codon 248 is replaced by serine, an amino acid with dissimilar properties. This amino acid position is conserved. In addition, this alteration is predicted to be deleterious by in silico analysis. Based on the available evidence, the clinical significance of this variant remains unclear.

Labcorp Genetics (formerly Invitae), Labcorp
Classification: Uncertain significance. Last evaluated: 2025-12-09. Review status: criteria provided, single submitter. Criteria: Invitae Variant Classification Sherloc (09022015). Collection method: clinical testing. Allele origin: germline.
Comment: This sequence change replaces arginine, which is basic and polar, with serine, which is neutral and polar, at codon 248 of the NTHL1 protein (p.Arg248Ser). This variant is not present in population databases (gnomAD no frequency). This variant has not been reported in the literature in individuals affected with NTHL1-related conditions. ClinVar contains an entry for this variant (Variation ID: 1040734). An algorithm developed to predict the effect of missense changes on protein structure and function (PolyPhen-2) suggests that this variant is likely to be disruptive. In summary, the available evidence is currently insufficient to determine the role of this variant in disease. Therefore, it has been classified as a Variant of Uncertain Significance.